The following is an entry in ClinVar:

NC_000008.11:g.27479265_27479268del

Gene: CHRNA2 (cholinergic receptor nicotinic alpha 2 subunit; minus strand). Cytogenetic location: 8p21.2.
Variant type: Deletion.
Genome position: GRCh38 VCF-style: chr8-27479261-CACAT-C. GRCh37 (hg19) VCF-style: chr8-27336778-CACAT-C.
Identifiers: ClinVar variation 362719 (VCV000362719.34), dbSNP rs1554517018, ClinGen allele CA10625289.

ClinVar aggregate classification (germline): Likely benign (1 of 4 stars; one submission).

Submission:

CeGaT Center for Human Genetics Tuebingen
Classification: Likely benign. Last evaluated: 2023-01-01. Review status: criteria provided, single submitter. Criteria: CeGaT Center For Human Genetics Tuebingen Variant Classification Criteria Version 2. Collection method: clinical testing. Allele origin: germline. Affected: yes. Observed: 4 variant alleles.
Comment: CHRNA2: BS2